The following is an entry in ClinVar:

ClinVar aggregate classification (germline): Uncertain significance (1 of 4 stars; one submission).

Conditions:
Hereditary cancer-predisposing syndrome. Also called: Neoplastic Syndromes, Hereditary; Tumor predisposition; Hereditary Cancer Syndrome; Hereditary neoplastic syndrome. Identifiers: Orphanet 140162, MedGen C0027672, MeSH D009386, MONDO:0015356.

Submission:

Ambry Genetics
Classification: Uncertain significance for Hereditary cancer-predisposing syndrome. Last evaluated: 2026-04-01. Review status: criteria provided, single submitter. Criteria: Ambry Variant Classification Scheme 2023. Collection method: clinical testing. Allele origin: germline.
Comment: The p.E2753A variant (also known as c.8258A>C), located in coding exon 15 of the APC gene, results from an A to C substitution at nucleotide position 8258. The glutamic acid at codon 2753 is replaced by alanine, an amino acid with dissimilar properties. This amino acid position is highly conserved in available vertebrate species. In addition, in silico predictors for this gene do not accurately predict pathogenicity. Missense variants in APC are not a common cause of disease (Spier I et al. Genet Med. 2024 Feb;26(2):100992). Based on the available evidence, the clinical significance of this variant remains unclear.

NM_000038.6(APC):c.8258A>C (p.Glu2753Ala)

Gene: APC (APC regulator of Wnt signaling pathway; plus strand). Cytogenetic location: 5q22.2.
Variant type: single nucleotide variant.
Coding change: c.8258A>C on transcript NM_000038.6 (MANE Select); coding-DNA position 8258, A replaced by C.
Protein change: p.Glu2753Ala; replaces glutamic acid 2753 with alanine.
Molecular consequence: missense variant. On other transcripts: non-coding transcript variant (2).
Genome position (GRCh38, 1-based): chr5:112,843,852, A>C. VCF-style: chr5-112843852-A-C. GRCh37 (hg19) VCF-style: chr5-112179549-A-C.
Other names: c.8258A>C, p.Glu2753Ala (NM_001127510.3, NM_001354895.2, NM_001407450.1); c.7955A>C, p.Glu2652Ala (NM_001407460.1, NM_001354903.2, NM_001407458.1 and 1 more transcripts); c.7871A>C, p.Glu2624Ala (NM_001407467.1, NM_001407469.1); c.7409A>C, p.Glu2470Ala (NM_001407470.1, NM_001354906.2); c.7106A>C, p.Glu2369Ala (NM_001407471.1, NM_001407472.1); c.8204A>C, p.Glu2735Ala (NM_001127511.3); c.8312A>C, p.Glu2771Ala (NM_001354896.2, NM_001407447.1, NM_001407448.1 and 1 more transcripts); c.8288A>C, p.Glu2763Ala (NM_001354897.2); and 11 more; short protein forms E2369A, E2470A, E2593A, E2624A, E2627A, E2652A, E2662A, E2670A.
Identifiers: ClinVar variation 4861050 (VCV004861050.1).